The following is an entry in ClinVar:

NM_000352.6(ABCC8):c.421G>A (p.Val141Met)

Gene: ABCC8 (ATP binding cassette subfamily C member 8; minus strand). Cytogenetic location: 11p15.1.
Variant type: single nucleotide variant.
Coding change: c.421G>A on transcript NM_000352.6 (MANE Select); coding-DNA position 421, G replaced by A.
Protein change: p.Val141Met; replaces valine 141 with methionine.
Molecular consequence: missense variant. On other transcripts: non-coding transcript variant (1).
Genome position (GRCh38, 1-based): chr11:17,463,596, C>T on the plus strand (G>A on the coding strand, the complement: ABCC8 is on the minus strand). VCF-style: chr11-17463596-C-T. GRCh37 (hg19) VCF-style: chr11-17485143-C-T.
Other names: c.421G>A, p.Val141Met (NM_001287174.3, NM_001351295.2, NM_001351296.2 and 1 more transcripts); short protein forms V141M.
Identifiers: ClinVar variation 2502170 (VCV002502170.3), dbSNP rs2496866140, ClinGen allele CA379780654.
Genomic context (GRCh38, chr11:17,463,596, plus strand): 5'-CGTGGTCCAAGAACTTGACAAACTTGATGGTCTTGGTGATGAAGGCCAGGGTCCAATACA[C>T]CAGCAGGGCTGCCGAGGAGAGATGGAAGATCGCAGAGACGTGTGTGCATCATGTGTGTAC-3'
Protein context (NP_000343.2, residues 131-151): NFPKLLIALL[Val141Met]YWTLAFITKT

ClinVar aggregate classification (germline): Uncertain significance. Review status: criteria provided, single submitter (1 of 4 stars). 2 submissions from 2 submitters: Uncertain significance (1). 1 of the submissions does not count toward it. Last evaluated 2022-05-25.

Conditions:
Hereditary hyperinsulinism.
Hyperinsulinemic hypoglycemia, familial, 1 (HHF1). Also called: NESIDIOBLASTOSIS OF PANCREAS; HYPERINSULINISM, FAMILIAL, WITH PANCREATIC NESIDIOBLASTOSIS; HYPOGLYCEMIA, HYPERINSULINEMIC, OF INFANCY; Persistent hyperinsulinemic hypoglycemia of infancy; Persistent Hyperinsulinemia Hypoglycemia of Infancy. Identifiers: Orphanet 276575, Orphanet 276598, MedGen C2931832, MONDO:0009734, OMIM 256450.

Allele frequency attached by ClinVar (database versions not stated): gnomAD exomes below 0.00001.

Submissions (2):

New York Genome Center
Classification: Uncertain significance for Type 2 diabetes mellitus; Hyperinsulinemic hypoglycemia, familial, 1. Last evaluated: 2022-05-25. Review status: criteria provided, single submitter. Criteria: NYGC Assertion Criteria 2020. Collection method: clinical testing. Allele origin: germline. Observed: 1 heterozygote.
Comment: The c.421G>A variant in ABCC8 has not previously been reported in the literature or public variant repositories (ClinVar and LOVD) and is absent from population databases (gnomAD v2.1.1 and v3.1.2, TOPMed Freeze 8, All of Us), suggesting it is not a common benign variant in the populations represented in those databases. The c.421G>A variant is located in exon 4 of this 39-exon gene and is predicted to replace a poorly conserved valine amino acid with methionine at position 141(p.(Val141Met)) in the transmembrane domain 0 (TMD0) of the encoded protein [PMID: 33300273]. In silico predictions for p.(Val141Met) are not in favor of a deleterious effect [(CADD v1.6 = 12.06, REVEL = 0.254)]; however, there are no functional studies to support or refute these predictions. A different missense variant p.(Val141Leu) affecting the same amino acid residue has been reported at a heterozygous state in one individual with early-onset diabetes [PMID: 33300273]. Based on available evidence this c.421G>A p.(Val141Met) variant identified in ABCC8 is classified as a Variant of Uncertain Significance.

Natera, Inc.
Classification: Uncertain significance for Hereditary hyperinsulinism. Last evaluated: 2025-04-24. Review status: no assertion criteria provided. Collection method: clinical testing. Allele origin: germline. Not counted in ClinVar's aggregate classification.